The following is an entry in ClinVar:

ClinVar aggregate classification (germline): Uncertain significance (1 of 4 stars; one submission).

Conditions:
Joubert syndrome. Also called: CEREBELLOPARENCHYMAL DISORDER IV; JOUBERT-BOLTSHAUSER SYNDROME; Familial aplasia of the vermis. Identifiers: Orphanet 475, MedGen C5979921, MONDO:0018772.
Orofaciodigital syndrome I (OFD1). Also called: OFDS I; Papillon-Leage and Psaume Syndrome; Oral-Facial-Digital Syndrome Type I. Identifiers: Orphanet 2750, MedGen C1510460, MONDO:0010702, OMIM 311200.

Allele frequency attached by ClinVar (database versions not stated): gnomAD exomes below 0.00001.
gnomAD v4.1: 4 of 1,209,034 alleles (0.00033%); highest among the groups gnomAD compares: South Asian, 0.007%; no homozygotes.

Submission:

Labcorp Genetics (formerly Invitae), Labcorp
Classification: Uncertain significance for Orofaciodigital syndrome I; Joubert syndrome. Last evaluated: 2023-05-08. Review status: criteria provided, single submitter. Criteria: Invitae Variant Classification Sherloc (09022015). Collection method: clinical testing. Allele origin: germline.
Comment: This variant has not been reported in the literature in individuals affected with OFD1-related conditions. This variant is present in population databases (no rsID available, gnomAD 0.005%). This sequence change replaces isoleucine, which is neutral and non-polar, with threonine, which is neutral and polar, at codon 882 of the OFD1 protein (p.Ile882Thr). Algorithms developed to predict the effect of missense changes on protein structure and function output the following: SIFT: "Not Available"; PolyPhen-2: "Benign"; Align-GVGD: "Not Available". The threonine amino acid residue is found in multiple mammalian species, which suggests that this missense change does not adversely affect protein function. In summary, the available evidence is currently insufficient to determine the role of this variant in disease. Therefore, it has been classified as a Variant of Uncertain Significance.

NM_003611.3(OFD1):c.2645T>C (p.Ile882Thr)

Gene: OFD1 (OFD1 centriole and centriolar satellite protein; plus strand). Cytogenetic location: Xp22.2.
Variant type: single nucleotide variant.
Coding change: c.2645T>C on transcript NM_003611.3 (MANE Select); coding-DNA position 2645, T replaced by C.
Protein change: p.Ile882Thr; replaces isoleucine 882 with threonine.
Molecular consequence: missense variant.
Genome position (GRCh38, 1-based): chrX:13,767,172, T>C. VCF-style: chrX-13767172-T-C. GRCh37 (hg19) VCF-style: chrX-13785291-T-C.
Other names: c.2525T>C, p.Ile842Thr (NM_001330209.2); c.2225T>C, p.Ile742Thr (NM_001330210.2); short protein forms I742T, I842T, I882T.
Identifiers: ClinVar variation 2946030 (VCV002946030.3), dbSNP rs1194820611, ClinGen allele CA412311365.